The following is an entry in ClinVar:

ClinVar aggregate classification (germline): Uncertain significance (1 of 4 stars; one submission).

Allele frequency attached by ClinVar (database versions not stated): gnomAD exomes below 0.00001.

Submission:

Labcorp Genetics (formerly Invitae), Labcorp
Classification: Uncertain significance. Last evaluated: 2021-08-24. Review status: criteria provided, single submitter. Criteria: Invitae Variant Classification Sherloc (09022015). Collection method: clinical testing. Allele origin: germline.
Comment: This sequence change replaces alanine with valine at codon 364 of the PEX3 protein (p.Ala364Val). The alanine residue is highly conserved and there is a small physicochemical difference between alanine and valine. This variant is not present in population databases (ExAC no frequency). This variant has not been reported in the literature in individuals affected with PEX3-related conditions. Algorithms developed to predict the effect of missense changes on protein structure and function are either unavailable or do not agree on the potential impact of this missense change (SIFT: "Deleterious"; PolyPhen-2: "Probably Damaging"; Align-GVGD: "Class C0"). In summary, the available evidence is currently insufficient to determine the role of this variant in disease. Therefore, it has been classified as a Variant of Uncertain Significance.

NM_003630.3(PEX3):c.1091C>T (p.Ala364Val)

Gene: PEX3 (peroxisomal biogenesis factor 3; plus strand). Cytogenetic location: 6q24.2.
Variant type: single nucleotide variant.
Coding change: c.1091C>T on transcript NM_003630.3 (MANE Select); coding-DNA position 1091, C replaced by T.
Protein change: p.Ala364Val; replaces alanine 364 with valine.
Molecular consequence: missense variant.
Genome position (GRCh38, 1-based): chr6:143,489,195, C>T. VCF-style: chr6-143489195-C-T. GRCh37 (hg19) VCF-style: chr6-143810332-C-T.
Other names: short protein forms A364V.
Identifiers: ClinVar variation 1502100 (VCV001502100.5), dbSNP rs1780354496, ClinGen allele CA365888758.